The following is an entry in ClinVar:

NC_012920.1(MT-CYB):m.14831G>C

Gene: MT-CYB (mitochondrially encoded cytochrome b; plus strand).
Variant type: single nucleotide variant.
Genome position: chrM-14831-G-C.
Identifiers: ClinVar variation 693773 (VCV000693773.1), dbSNP rs199795644, ClinGen allele CA913172213.

ClinVar aggregate classification (germline): Uncertain significance (1 of 4 stars; one submission).

Conditions:
Leigh syndrome (NULS). Also called: Leigh's necrotizing encephalopathy; Leigh's disease; Leigh's syndrome; LEIGH SYNDROME, NUCLEAR; Leigh Syndrome (mtDNA deletion); Leigh Disease. Identifiers: Orphanet 506, MedGen C2931891, MONDO:0009723, OMIM 256000.

Submission:

Wong Mito Lab, Molecular and Human Genetics, Baylor College of Medicine
Classification: Uncertain significance for Leigh syndrome. Last evaluated: 2019-10-17. Review status: criteria provided, single submitter. Criteria: Modified ACMG Guidelines (Unpublished). Collection method: clinical testing. Allele origin: germline.
Comment: The NC_012920.1:m.14831G>C (YP_003024038.1:p.Ala29Pro) variant in MTCYB gene is interpretated to be a Uncertain Significance variant based on the modified ACMG guidelines (unpublished). This variant meets the following evidence codes: BP4

Literature cited by the submitters: PubMed 12150954.